The following is an entry in ClinVar:

NM_000363.5(TNNI3):c.566G>C (p.Gly189Ala)

Gene: TNNI3 (troponin I3, cardiac type; minus strand). Cytogenetic location: 19q13.42.
Variant type: single nucleotide variant.
Coding change: c.566G>C on transcript NM_000363.5 (MANE Select); coding-DNA position 566, G replaced by C.
Protein change: p.Gly189Ala; replaces glycine 189 with alanine.
Molecular consequence: missense variant.
Genome position (GRCh38, 1-based): chr19:55,151,901, C>G on the plus strand (G>C on the coding strand, the complement: TNNI3 is on the minus strand). VCF-style: chr19-55151901-C-G. GRCh37 (hg19) VCF-style: chr19-55663269-C-G.
Other names: short protein forms G189A.
Identifiers: ClinVar variation 1748957 (VCV001748957.2), dbSNP rs587782980, ClinGen allele CA407439652.

ClinVar aggregate classification (germline): Uncertain significance (1 of 4 stars; one submission).

Conditions:
Cardiovascular phenotype. Identifiers: MedGen CN230736.

Submission:

Ambry Genetics
Classification: Uncertain significance for Cardiovascular phenotype. Last evaluated: 2024-02-09. Review status: criteria provided, single submitter. Criteria: Ambry Variant Classification Scheme 2023. Collection method: clinical testing. Allele origin: germline.
Comment: The p.G189A variant (also known as c.566G>C), located in coding exon 8 of the TNNI3 gene, results from a G to C substitution at nucleotide position 566. The glycine at codon 189 is replaced by alanine, an amino acid with similar properties. Another variant affecting this codon (p.G189E, c.566G>A) has been detected in a hypertrophic cardiomyopathy cohort; however, clinical details were not provided (Berge KE et al. Clin. Genet., 2014 Oct;86:355-60). This amino acid position is well conserved in available vertebrate species. In addition, the in silico prediction for this alteration is inconclusive. Since supporting evidence is limited at this time, the clinical significance of this alteration remains unclear.

Literature cited by the submitters: PubMed 24111713.